The following is an entry in ClinVar:

ClinVar aggregate classification (germline): Uncertain significance (1 of 4 stars; one submission).

gnomAD v4.1: 17 of 1,612,068 alleles (0.0011%); highest among the groups gnomAD compares: Admixed American, 0.0017%; 1 homozygote.

Submission:

Labcorp Genetics (formerly Invitae), Labcorp
Classification: Uncertain significance. Last evaluated: 2024-11-17. Review status: criteria provided, single submitter. Criteria: Invitae Variant Classification Sherloc (09022015). Collection method: clinical testing. Allele origin: germline.
Comment: This sequence change falls in intron 32 of the KMT2C gene. It does not directly change the encoded amino acid sequence of the KMT2C protein. It affects a nucleotide within the consensus splice site. This variant is present in population databases (no rsID available, gnomAD 0.006%). This variant has not been reported in the literature in individuals affected with KMT2C-related conditions. Variants that disrupt the consensus splice site are a relatively common cause of aberrant splicing (PMID: 17576681, 9536098). Algorithms developed to predict the effect of sequence changes on RNA splicing suggest that this variant is not likely to affect RNA splicing. In summary, the available evidence is currently insufficient to determine the role of this variant in disease. Therefore, it has been classified as a Variant of Uncertain Significance.

Literature cited by the submitters: PubMed 17576681; PubMed 9536098.

NM_170606.3(KMT2C):c.4793+5A>G

Gene: KMT2C (lysine methyltransferase 2C; minus strand). Cytogenetic location: 7q36.1.
Variant type: single nucleotide variant.
Coding change: c.4793+5A>G on transcript NM_170606.3 (MANE Select); 5 bases into the intron after coding-DNA position 4793, A replaced by G.
Molecular consequence: intron variant.
Genome position (GRCh38, 1-based): chr7:152,187,710, T>C on the plus strand (A>G on the coding strand, the complement: KMT2C is on the minus strand). VCF-style: chr7-152187710-T-C. GRCh37 (hg19) VCF-style: chr7-151884795-T-C.
Identifiers: ClinVar variation 3621936 (VCV003621936.2).